The following is an entry in ClinVar:

ClinVar aggregate classification (germline): Uncertain significance (1 of 4 stars; one submission).

gnomAD v4.1: 3 of 1,614,102 alleles (0.00019%); highest among the groups gnomAD compares: African/African-American, 0.0013%; no homozygotes.

Submission:

Labcorp Genetics (formerly Invitae), Labcorp
Classification: Uncertain significance. Last evaluated: 2022-11-15. Review status: criteria provided, single submitter. Criteria: Invitae Variant Classification Sherloc (09022015). Collection method: clinical testing. Allele origin: germline.
Comment: In summary, the available evidence is currently insufficient to determine the role of this variant in disease. Therefore, it has been classified as a Variant of Uncertain Significance. Algorithms developed to predict the effect of missense changes on protein structure and function (SIFT, PolyPhen-2, Align-GVGD) all suggest that this variant is likely to be tolerated. This variant has not been reported in the literature in individuals affected with DHX37-related conditions. This variant is not present in population databases (gnomAD no frequency). This sequence change replaces serine, which is neutral and polar, with leucine, which is neutral and non-polar, at codon 65 of the DHX37 protein (p.Ser65Leu).

NM_032656.4(DHX37):c.194C>T (p.Ser65Leu)

Gene: DHX37 (DEAH-box helicase 37; minus strand). Cytogenetic location: 12q24.31.
Variant type: single nucleotide variant.
Coding change: c.194C>T on transcript NM_032656.4 (MANE Select); coding-DNA position 194, C replaced by T.
Protein change: p.Ser65Leu; replaces serine 65 with leucine.
Molecular consequence: missense variant.
Genome position (GRCh38, 1-based): chr12:124,986,178, G>A on the plus strand (C>T on the coding strand, the complement: DHX37 is on the minus strand). VCF-style: chr12-124986178-G-A. GRCh37 (hg19) VCF-style: chr12-125470724-G-A.
Other names: short protein forms S65L.
Identifiers: ClinVar variation 2006809 (VCV002006809.4), dbSNP rs1033262608, ClinGen allele CA245286266.